The following is an entry in ClinVar:

NM_000521.4(HEXB):c.1417G>A (p.Gly473Ser)

Gene: HEXB (hexosaminidase subunit beta; plus strand). Cytogenetic location: 5q13.3.
Variant type: single nucleotide variant.
Coding change: c.1417G>A on transcript NM_000521.4 (MANE Select); coding-DNA position 1417, G replaced by A.
Protein change: p.Gly473Ser; replaces glycine 473 with serine.
Molecular consequence: missense variant.
Genome position (GRCh38, 1-based): chr5:74,718,971, G>A. VCF-style: chr5-74718971-G-A. GRCh37 (hg19) VCF-style: chr5-74014796-G-A.
Other names: c.742G>A, p.Gly248Ser (NM_001292004.2); short protein forms G473S, G248S.
Identifiers: ClinVar variation 372685 (VCV000372685.47), dbSNP rs762892362, ClinGen allele CA3306126.

ClinVar aggregate classification (germline): Pathogenic/Likely pathogenic. Review status: criteria provided, multiple submitters, no conflicts (2 of 4 stars). 10 submissions from 10 submitters: Pathogenic (1); Likely pathogenic (8). 1 of the submissions does not count toward it. Last evaluated 2026-03-20.

Conditions:
Sandhoff disease. Also called: Beta-hexosaminidase-beta-subunit deficiency; GM2 gangliosidosis, type 2; Total hexosaminidase deficiency; Sandhoff-Jatzkewitz-Pilz disease; GM2-GANGLIOSIDOSIS, TYPE II; HEXOSAMINIDASES A AND B DEFICIENCY. Identifiers: Orphanet 796, MedGen C0036161, MONDO:0010006, OMIM 268800.

Allele frequency attached by ClinVar (database versions not stated): gnomAD exomes 0.00001 and below 0.00001; TOPMed 0.00002; ExAC 0.00001; gnomAD 0.00001.
gnomAD v4.1: 18 of 1,613,810 alleles (0.0011%); highest among the groups gnomAD compares: Middle Eastern, 0.016%; no homozygotes.

Submissions (10):

Myriad Genetics, Inc.
Classification: Likely pathogenic for Sandhoff disease. Last evaluated: 2026-03-20. Review status: criteria provided, single submitter. Criteria: Myriad Autosomal Dominant, Autosomal Recessive and X-Linked Classification Criteria (2023). Collection method: clinical testing. Allele origin: unknown.
Comment: NM_000521.3(HEXB):c.1417G>A(G473S) is a missense variant classified as likely pathogenic in the context of Sandhoff disease. G473S has been observed in cases with relevant disease (PMID: 34856081, 34226107, 30065954). Relevant functional assessments of this variant are not available in the literature. G473S has been observed in referenced population frequency databases. In summary, NM_000521.3(HEXB):c.1417G>A(G473S) is a missense variant that has been observed more frequently in cases with the relevant disease than in healthy populations. Please note: this variant was assessed in the context of healthy population screening.

Natera, Inc.
Classification: Likely pathogenic for Sandhoff disease. Last evaluated: 2025-09-09. Review status: criteria provided, single submitter. Criteria: Natera Variant Classification Schema (03/2026). Collection method: clinical testing. Allele origin: germline.
Comment: The c.1417G>A variant in HEXB is a missense variant predicted to cause substitution of glycine to serine at amino acid 473. This variant is rare in the general population with a frequency below the threshold expected for the associated phenotype(s). This variant has been observed in one or more individuals affected with the associated recessive disease, as either homozygous or compound heterozygous with a second variant (PMID: 30065954, 34856081). Additionally, this variant has been observed to segregate in affected family members (PMID: 34856081). Computational prediction algorithms indicate this variant is likely to affect gene or protein function. Given the available evidence, this variant is classified as Likely Pathogenic.

Women's Health and Genetics/Laboratory Corporation of America, LabCorp
Classification: Likely pathogenic for Sandhoff disease. Last evaluated: 2024-09-30. Review status: criteria provided, single submitter. Criteria: LabCorp Variant Classification Summary - May 2015. Collection method: clinical testing. Allele origin: germline.
Comment: Variant summary: HEXB c.1417G>A (p.Gly473Ser) results in a non-conservative amino acid change located in the Glycoside hydrolase family 20, catalytic domain of the encoded protein sequence. Three of five in-silico tools predict a damaging effect of the variant on protein function. Several computational tools predict a significant impact on normal splicing: Three predict the variant weakens a 5' donor site. However, these predictions have yet to be confirmed by functional studies. The variant allele was found at a frequency of 4e-06 in 251440 control chromosomes. c.1417G>A has been reported in the literature in compound heterozygous individuals affected with Sandhoff Disease ((Sung_2018, Rowe_2021, Salamon_2021). These data indicate that the variant is likely to be associated with disease. To our knowledge, no experimental evidence demonstrating an impact on protein function has been reported. The following publications have been ascertained in the context of this evaluation (PMID: 34226107, 30065954, 34856081). ClinVar contains an entry for this variant (Variation ID: 372685). Based on the evidence outlined above, the variant was classified as likely pathogenic.

Fulgent Genetics
Classification: Likely pathogenic for Sandhoff disease. Last evaluated: 2024-06-10. Review status: criteria provided, single submitter. Criteria: ACMG Guidelines, 2015. Collection method: clinical testing. Allele origin: germline.

Laboratory of Medical Genetics, National & Kapodistrian University of Athens
Classification: Likely pathogenic for Sandhoff disease. Last evaluated: 2024-02-01. Review status: criteria provided, single submitter. Criteria: ACMG Guidelines, 2015. Collection method: curation. Allele origin: germline. Affected: no.

Labcorp Genetics (formerly Invitae), Labcorp
Classification: Pathogenic for Sandhoff disease. Last evaluated: 2023-11-09. Review status: criteria provided, single submitter. Criteria: Invitae Variant Classification Sherloc (09022015). Collection method: clinical testing. Allele origin: germline.
Comment: This sequence change replaces glycine, which is neutral and non-polar, with serine, which is neutral and polar, at codon 473 of the HEXB protein (p.Gly473Ser). This variant also falls at the last nucleotide of exon 11, which is part of the consensus splice site for this exon. This variant is present in population databases (rs762892362, gnomAD 0.0009%). This missense change has been observed in individual(s) with late-onset Sandhoff disease (PMID: 30065954, 34856081). In at least one individual the data is consistent with being in trans (on the opposite chromosome) from a pathogenic variant. It has also been observed to segregate with disease in related individuals. ClinVar contains an entry for this variant (Variation ID: 372685). An algorithm developed to predict the effect of missense changes on protein structure and function (PolyPhen-2) suggests that this variant is likely to be disruptive. Variants that disrupt the consensus splice site are a relatively common cause of aberrant splicing (PMID: 17576681, 9536098). Algorithms developed to predict the effect of sequence changes on RNA splicing suggest that this variant may disrupt the consensus splice site. For these reasons, this variant has been classified as Pathogenic.

CeGaT Center for Human Genetics Tuebingen
Classification: Likely pathogenic. Last evaluated: 2022-04-01. Review status: criteria provided, single submitter. Criteria: CeGaT Center For Human Genetics Tuebingen Variant Classification Criteria Version 2. Collection method: clinical testing. Allele origin: germline. Affected: yes. Observed: 1 variant allele.
Comment: HEXB: PM2, PM3, PP3, PP4

Institute of Medical Genetics and Applied Genomics, University Hospital Tübingen
Classification: Likely pathogenic. Last evaluated: 2021-06-17. Review status: criteria provided, single submitter. Criteria: ACMG Guidelines, 2015. Collection method: clinical testing. Allele origin: germline. Inheritance: Autosomal recessive inheritance. Affected: yes.

GeneDx
Classification: Likely pathogenic. Last evaluated: 2016-10-03. Review status: criteria provided, single submitter. Criteria: GeneDx Variant Classification (06012015). Collection method: clinical testing. Allele origin: germline. Affected: yes.
Comment: The G473S variant in the HEXB gene has not been published as a pathogenic variant, nor has it been reported as a benign variant to our knowledge. The G473S variant was not observed in approximately 6,500 individuals of European and African American ancestry in the NHLBI Exome Sequencing Project, indicating it is not a common benign variant in these populations. The G473S variant is a non-conservative amino acid substitution, which is likely to impact secondary protein structure as these residues differ in polarity, charge, size and/or other properties. This substitution occurs at a position that is conserved across species, and in silico analysis predicts this variant is probably damaging to the protein structure/function.

Counsyl
Classification: Uncertain significance for Sandhoff disease. Last evaluated: 2019-04-23. Review status: no assertion criteria provided. Collection method: clinical testing. Allele origin: unknown. Not counted in ClinVar's aggregate classification.

Literature cited by the submitters: PubMed 30065954 (cited by 5 submitters); PubMed 34226107 (cited by Myriad Genetics, Inc. and Women's Health and Genetics/Laboratory Corporation of America, LabCorp); PubMed 34856081 (cited by 4 submitters); PubMed 17576681 (cited by Labcorp Genetics (formerly Invitae), Labcorp); PubMed 9536098 (cited by Labcorp Genetics (formerly Invitae), Labcorp).